The following is an entry in ClinVar:

ClinVar aggregate classification (germline): Benign/Likely benign. Review status: criteria provided, multiple submitters, no conflicts (2 of 4 stars). 9 submissions from 9 submitters: Benign (2); Likely benign (6). 1 of the submissions does not count toward it. Last evaluated 2026-07-01.

Conditions:
Mitochondrial complex I deficiency, nuclear type 17. Also called: Mitochondrial complex 1 deficiency, nuclear type 17. Identifiers: MedGen C4748786, MONDO:0032622, OMIM 618239.
Fanconi renotubular syndrome 5. Also called: FANCONI RENOTUBULAR SYNDROME, ACADIAN VARIANT. Identifiers: MedGen C5394473, MONDO:0030056, OMIM 618913.

Allele frequency attached by ClinVar (database versions not stated): gnomAD 0.00274 and 0.00275; 1000 Genomes Project 30x 0.00281; gnomAD exomes 0.00301 and 0.00354; 1000 Genomes Project 0.00319; ESP Exome Variant Server 0.00320; ExAC 0.00349; TOPMed 0.00350.
gnomAD v4.1: 4,982 of 1,614,070 alleles (0.31%); highest among the groups gnomAD compares: Middle Eastern, 4.7%; 39 homozygotes.

Submissions (9):

CeGaT Center for Human Genetics Tuebingen
Classification: Likely benign. Last evaluated: 2026-07-01. Review status: criteria provided, single submitter. Criteria: CeGaT Center For Human Genetics Tuebingen Variant Classification Criteria Version 2. Collection method: clinical testing. Allele origin: germline. Affected: yes. Observed: 19 variant alleles.
Comment: NDUFAF6: BP4, BS2

Labcorp Genetics (formerly Invitae), Labcorp
Classification: Benign. Last evaluated: 2026-01-26. Review status: criteria provided, single submitter. Criteria: Invitae Variant Classification Sherloc (09022015). Collection method: clinical testing. Allele origin: germline.

Blueprint Genetics
Classification: Likely benign. Last evaluated: 2024-11-27. Review status: criteria provided, single submitter. Criteria: ACMG Guidelines, 2015. Collection method: clinical testing. Allele origin: germline.

Fulgent Genetics
Classification: Likely benign for Mitochondrial complex I deficiency, nuclear type 17; Fanconi renotubular syndrome 5. Last evaluated: 2022-01-17. Review status: criteria provided, single submitter. Criteria: ACMG Guidelines, 2015. Collection method: clinical testing. Allele origin: unknown.

Mendelics
Classification: Likely benign for Mitochondrial complex I deficiency, nuclear type 17. Last evaluated: 2019-05-28. Review status: criteria provided, single submitter. Criteria: Mendelics Assertion Criteria 2017. Collection method: clinical testing. Allele origin: unknown.

Center for Pediatric Genomic Medicine, Children's Mercy Hospital and Clinics
Classification: Likely benign. Last evaluated: 2016-07-14. Review status: criteria provided, single submitter. Criteria: ACMG Guidelines, 2015. Collection method: clinical testing. Allele origin: germline.
ClinVar note: Converted during submission from Likely Benign to Likely benign.

GeneDx
Classification: Benign. Last evaluated: 2013-12-17. Review status: criteria provided, single submitter. Criteria: GeneDx Variant Classification (06012015). Collection method: clinical testing. Allele origin: germline. Affected: yes.
Comment: This variant is considered likely benign or benign based on one or more of the following criteria: it is a conservative change, it occurs at a poorly conserved position in the protein, it is predicted to be benign by multiple in silico algorithms, and/or has population frequency not consistent with disease.

Breakthrough Genomics
Classification: Likely benign. Review status: criteria provided, single submitter. Criteria: ACMG Guidelines, 2015. Collection method: not provided. Allele origin: germline. Inheritance: Autosomal recessive inheritance. Affected: yes.

Mayo Clinic Laboratories, Mayo Clinic
Classification: Likely benign. Last evaluated: 2018-03-19. Review status: no assertion criteria provided. Collection method: clinical testing. Allele origin: unknown. Not counted in ClinVar's aggregate classification.

NM_152416.4(NDUFAF6):c.838G>A (p.Val280Ile)

Gene: NDUFAF6 (NADH:ubiquinone oxidoreductase complex assembly factor 6; plus strand). Cytogenetic location: 8q22.1.
Variant type: single nucleotide variant.
Coding change: c.838G>A on transcript NM_152416.4 (MANE Select); coding-DNA position 838, G replaced by A.
Protein change: p.Val280Ile; replaces valine 280 with isoleucine.
Molecular consequence: missense variant. On other transcripts: non-coding transcript variant (4), intron variant (2).
Genome position (GRCh38, 1-based): chr8:95,052,195, G>A. VCF-style: chr8-95052195-G-A. GRCh37 (hg19) VCF-style: chr8-96064423-G-A.
Other names: p.V280I:GTT>ATT; c.562G>A, p.Val188Ile (NM_001330582.2, NM_001354514.2, NM_001354515.2); c.682G>A, p.Val228Ile (NM_001354516.2); c.505G>A, p.Val169Ile (NM_001354517.2, NM_001354518.2, NM_001354519.2); c.382G>A, p.Val128Ile (NM_001354522.2, NM_001354524.2, NM_001354525.2 and 7 more transcripts); c.483+3637G>A (NM_001354534.2); c.540+3637G>A (NM_001354521.2); short protein forms V280I, V128I, V169I, V188I, V228I.
Identifiers: ClinVar variation 136605 (VCV000136605.57), dbSNP rs61743028, ClinGen allele CA289778.